The following is an entry in ClinVar:

ClinVar aggregate classification (germline): Conflicting classifications of pathogenicity. Review status: criteria provided, conflicting classifications (1 of 4 stars). 3 submissions from 3 submitters: Uncertain significance (2); Likely benign (1). Last evaluated 2025-01-06.

Conditions:
Hereditary cancer-predisposing syndrome. Also called: Neoplastic Syndromes, Hereditary; Hereditary Cancer Syndrome; Hereditary neoplastic syndrome; Tumor predisposition. Identifiers: Orphanet 140162, MedGen C0027672, MeSH D009386, MONDO:0015356.
Familial adenomatous polyposis 3. Also called: NTHL1-associated polyposis; NTHL1 Tumor Syndrome; NTHL1-related attenuated familial adenomatous polyposis; NTHL1-Related Adenomatous Polyposis and Colorectal Cancer. Identifiers: Orphanet 220460, Orphanet 454840, MedGen C4225157, MONDO:0014630, OMIM 616415.

Allele frequency attached by ClinVar (database versions not stated): TOPMed below 0.00001; gnomAD 0.00001.

Submissions (3):

Ambry Genetics
Classification: Likely benign for Hereditary cancer-predisposing syndrome. Last evaluated: 2025-01-06. Review status: criteria provided, single submitter. Criteria: Ambry Variant Classification Scheme 2023. Collection method: clinical testing. Allele origin: germline.

Baylor Genetics
Classification: Uncertain significance for Familial adenomatous polyposis 3. Last evaluated: 2024-01-19. Review status: criteria provided, single submitter. Criteria: ACMG Guidelines, 2015. Collection method: clinical testing. Allele origin: unknown.

Labcorp Genetics (formerly Invitae), Labcorp
Classification: Uncertain significance. Last evaluated: 2020-08-15. Review status: criteria provided, single submitter. Criteria: Invitae Variant Classification Sherloc (09022015). Collection method: clinical testing. Allele origin: germline.
Comment: This sequence change replaces proline with serine at codon 4 of the NTHL1 protein (p.Pro4Ser). The proline residue is weakly conserved and there is a moderate physicochemical difference between proline and serine. This variant is not present in population databases (ExAC no frequency). This variant has not been reported in the literature in individuals with NTHL1-related conditions. Algorithms developed to predict the effect of missense changes on protein structure and function are either unavailable or do not agree on the potential impact of this missense change (SIFT: "Not Available"; PolyPhen-2: "Benign"; Align-GVGD: "Not Available"). In summary, the available evidence is currently insufficient to determine the role of this variant in disease. Therefore, it has been classified as a Variant of Uncertain Significance.

NM_002528.7(NTHL1):c.-15C>T

Gene: NTHL1 (nth like DNA glycosylase 1; minus strand). Cytogenetic location: 16p13.3.
Variant type: single nucleotide variant.
Coding change: c.-15C>T on transcript NM_002528.7 (MANE Select); 15 bases upstream of the start codon, C replaced by T.
Genome position (GRCh38, 1-based): chr16:2,047,838, G>A on the plus strand (C>T on the coding strand, the complement: NTHL1 is on the minus strand). VCF-style: chr16-2047838-G-A. GRCh37 (hg19) VCF-style: chr16-2097839-G-A.
Identifiers: ClinVar variation 1044505 (VCV001044505.11), dbSNP rs1474892742, ClinGen allele CA394298863.